The following is an entry in ClinVar:

NM_006734.4(HIVEP2):c.2269C>T (p.Arg757Cys)

Gene: HIVEP2 (HIVEP zinc finger 2; minus strand). Cytogenetic location: 6q24.2.
Variant type: single nucleotide variant.
Coding change: c.2269C>T on transcript NM_006734.4 (MANE Select); coding-DNA position 2269, C replaced by T.
Protein change: p.Arg757Cys; replaces arginine 757 with cysteine.
Molecular consequence: missense variant.
Genome position (GRCh38, 1-based): chr6:142,772,470, G>A on the plus strand (C>T on the coding strand, the complement: HIVEP2 is on the minus strand). VCF-style: chr6-142772470-G-A. GRCh37 (hg19) VCF-style: chr6-143093607-G-A.
Other names: c.2269C>T (NM_006734.3); short protein forms R757C.
Identifiers: ClinVar variation 2160613 (VCV002160613.7), dbSNP rs372948812, ClinGen allele CA4028448.

ClinVar aggregate classification (germline): Likely benign. Review status: criteria provided, multiple submitters, no conflicts (2 of 4 stars). 3 submissions from 3 submitters: Likely benign (2). 1 of the submissions does not count toward it. Last evaluated 2025-06-16.

Conditions:
Inborn genetic diseases. Identifiers: MedGen C0950123, MeSH D030342.
HIVEP2-related disorder. Also called: HIVEP2-related condition.

Allele frequency attached by ClinVar (database versions not stated): gnomAD 0.00011; gnomAD exomes 0.00012; ESP Exome Variant Server 0.00016; TOPMed 0.00018; ExAC 0.00024; 1000 Genomes Project 0.00060; 1000 Genomes Project 30x 0.00062.
gnomAD v4.1: 191 of 1,614,140 alleles (0.012%); highest among the groups gnomAD compares: South Asian, 0.058%; 1 homozygote.

Submissions (3):

Labcorp Genetics (formerly Invitae), Labcorp
Classification: Likely benign. Last evaluated: 2025-06-16. Review status: criteria provided, single submitter. Criteria: Invitae Variant Classification Sherloc (09022015). Collection method: clinical testing. Allele origin: germline.

Ambry Genetics
Classification: Likely benign for Inborn genetic diseases. Last evaluated: 2024-03-26. Review status: criteria provided, single submitter. Criteria: Ambry Variant Classification Scheme 2023. Collection method: clinical testing. Allele origin: germline.

PreventionGenetics, part of Exact Sciences
Classification: Likely benign for HIVEP2-related condition. Last evaluated: 2019-02-21. Review status: no assertion criteria provided. Collection method: clinical testing. Allele origin: germline. Not counted in ClinVar's aggregate classification.
Comment: This variant is classified as likely benign based on ACMG/AMP sequence variant interpretation guidelines (Richards et al. 2015 PMID: 25741868, with internal and published modifications).